The following is an entry in ClinVar:

NM_001368894.2(PAX6):c.1085_1095del (p.Pro362fs)

Gene: PAX6 (paired box 6; minus strand). Cytogenetic location: 11p13.
Variant type: Deletion.
Coding change: c.1085_1095del on transcript NM_001368894.2 (MANE Select); coding-DNA positions 1085 to 1095, 11 bases deleted (CCAGCCAGACC).
Protein change: p.Pro362fs; shifts the reading frame from proline 362.
Molecular consequence: frameshift variant. On other transcripts: non-coding transcript variant (1), intron variant (9).
Genome position (GRCh38, 1-based): chr11:31,790,840-31,790,850, GGTCTGGCTGG deleted on the plus strand (CCAGCCAGACC on the coding strand, the reverse complement: PAX6 is on the minus strand); deleting any 11 consecutive bases within chr11:31,790,840-31,790,852 gives the same sequence; the c. name uses the placement nearest the transcript's 3' end. VCF-style (leftmost placement, unchanged base first): chr11-31790839-AGGTCTGGCTGG-A. GRCh37 (hg19) VCF-style: chr11-31812387-AGGTCTGGCTGG-A.
Other names: c.1043_1053del, p.Pro348fs (NM_000280.6, NM_001127612.3, NM_001258464.2 and 6 more transcripts); c.1085_1095del, p.Pro362fs (NM_001258462.3, NM_001258463.2, NM_001310158.2 and 3 more transcripts); c.635_645del, p.Pro212fs (NM_001310160.2, NM_001310161.3, NM_001368899.2 and 10 more transcripts); c.1286_1296del, p.Pro429fs (NM_001368910.2); c.1160_1170del, p.Pro387fs (NM_001368918.2, NM_001368919.2); c.1118_1128del, p.Pro373fs (NM_001368920.2); c.884_894del, p.Pro295fs (NM_001368922.2, NM_001368923.2, NM_001368924.2 and 3 more transcripts); c.842_852del, p.Pro281fs (NM_001368928.2); and 6 more; short protein forms P281fs, P348fs, P373fs, P387fs, P429fs, P212fs, P295fs, P362fs.
Identifiers: ClinVar variation 524067 (VCV000524067.3), dbSNP rs1554982615, ClinGen allele CA658797608.

ClinVar aggregate classification (germline): Pathogenic (1 of 4 stars; one submission).

Submission:

GeneDx
Classification: Pathogenic. Last evaluated: 2018-04-17. Review status: criteria provided, single submitter. Criteria: GeneDx Variant Classification (06012015). Collection method: clinical testing. Allele origin: germline. Affected: yes.
Comment: The c.1043_1053del11 pathogenic variant in the PAX6 gene causes a frameshift starting with codon Proline 348, changes this amino acid to a Leucine residue and creates a premature Stop codon at position 19 of the new reading frame, denoted p.Pro348LeufsX19. This pathogenic variant is predicted to cause loss of normal protein function either through protein truncation or nonsense-mediated mRNA decay.